The following is an entry in ClinVar:

NM_001378120.1(MBD5):c.4962+2T>C

Gene: MBD5 (methyl-CpG binding domain protein 5; plus strand). Cytogenetic location: 2q23.1.
Variant type: single nucleotide variant.
Coding change: c.4962+2T>C on transcript NM_001378120.1 (MANE Select); the canonical splice donor site of the intron after coding-DNA position 4962, T replaced by C.
Molecular consequence: splice donor variant.
Genome position (GRCh38, 1-based): chr2:148,490,596, T>C. VCF-style: chr2-148490596-T-C. GRCh37 (hg19) VCF-style: chr2-149248165-T-C.
Other names: NM_018328.5:c.4263+2T>C; c.4263+2T>C (NM_018328.5, NM_001438862.1, NM_001438860.1 and 3 more transcripts); c.4962+2T>C (NM_001438854.1, NM_001438856.1, NM_001438857.1 and 1 more transcripts).
Identifiers: ClinVar variation 4819451 (VCV004819451.1).

ClinVar aggregate classification (germline): Likely pathogenic (1 of 4 stars; one submission).

Conditions:
Intellectual developmental disorder, autosomal dominant 1. Also called: MBD5 Haploinsufficiency; Intellectual disability, autosomal dominant 1. Identifiers: Orphanet 228402, MedGen C1969562, MONDO:0007974, OMIM 156200.

Submission:

Broad Center for Mendelian Genomics, Broad Institute of MIT and Harvard
Classification: Likely pathogenic for Intellectual developmental disorder, autosomal dominant 1. Last evaluated: 2026-03-02. Review status: criteria provided, single submitter. Criteria: ACMG Guidelines, 2015. Collection method: research. Allele origin: germline. Inheritance: Autosomal dominant inheritance.
Comment: The c.4962+2T>C variant in MBD5 has not been previously reported in the literature in individuals with autosomal dominant intellectual developmental disorder 1 and was absent from large population studies. This variant is located in the 3' splice region. Computational tools predict a splicing impact, though this information is not predictive enough to determine pathogenicity. Heterozygous loss of function of the MBD5 gene is an established disease mechanism in autosomal dominant intellectual developmental disorder 1. In summary, although additional studies are required to fully establish its clinical significance, this variant is likely pathogenic for autosomal dominant intellectual developmental disorder 1. ACMG/AMP Criteria applied: PVS1, PM2_supporting (Richards 2015).